The following is an entry in ClinVar:

ClinVar aggregate classification (germline): Likely benign. Review status: criteria provided, multiple submitters, no conflicts (2 of 4 stars). 4 submissions from 3 submitters: Likely benign (4). Last evaluated 2025-10-13.

Conditions:
Developmental and epileptic encephalopathy, 14 (DEE14). Also called: Early infantile epileptic encephalopathy 14. Identifiers: Orphanet 293181, MedGen C3554195, MONDO:0013989, OMIM 614959.
Autosomal dominant nocturnal frontal lobe epilepsy 5. Also called: KCNT1-Related Epilepsy; CILIARY DYSKINESIA, PRIMARY, 28, WITHOUT SITUS INVERSUS; CILIARY DYSKINESIA, PRIMARY, 28, WITH SITUS INVERSUS; Epilepsy, nocturnal frontal lobe, 5. Identifiers: Orphanet 98784, MedGen C3554306, MONDO:0014002, OMIM 615005.

Allele frequency attached by ClinVar (database versions not stated): gnomAD exomes 0.00004 and 0.00006; TOPMed 0.00004; ExAC 0.00005; gnomAD 0.00007 and 0.00008; 1000 Genomes Project 0.00020; 1000 Genomes Project 30x 0.00031.
gnomAD v4.1: 63 of 1,576,080 alleles (0.004%); highest among the groups gnomAD compares: African/African-American, 0.016%; no homozygotes.

Submissions (4):

Labcorp Genetics (formerly Invitae), Labcorp
Classification: Likely benign for Autosomal dominant nocturnal frontal lobe epilepsy 5; Developmental and epileptic encephalopathy, 14. Last evaluated: 2025-10-13. Review status: criteria provided, single submitter. Criteria: Invitae Variant Classification Sherloc (09022015). Collection method: clinical testing. Allele origin: germline.

Genome-Nilou Lab
Classification: Likely benign for Developmental and epileptic encephalopathy, 14. Last evaluated: 2022-03-15. Review status: criteria provided, single submitter. Criteria: ACMG Guidelines, 2015. Collection method: clinical testing. Allele origin: germline. Affected: no.

Genome-Nilou Lab
Classification: Likely benign for Autosomal dominant nocturnal frontal lobe epilepsy 5. Last evaluated: 2022-03-15. Review status: criteria provided, single submitter. Criteria: ACMG Guidelines, 2015. Collection method: clinical testing. Allele origin: germline. Affected: no.

GeneDx
Classification: Likely benign. Last evaluated: 2016-05-16. Review status: criteria provided, single submitter. Criteria: GeneDx Variant Classification (06012015). Collection method: clinical testing. Allele origin: germline. Affected: yes.
Comment: This variant is considered likely benign or benign based on one or more of the following criteria: it is a conservative change, it occurs at a poorly conserved position in the protein, it is predicted to be benign by multiple in silico algorithms, and/or has population frequency not consistent with disease.

NM_020822.3(KCNT1):c.2730-15G>A

Gene: KCNT1 (potassium sodium-activated channel subfamily T member 1; plus strand). Cytogenetic location: 9q34.3.
Variant type: single nucleotide variant.
Coding change: c.2730-15G>A on transcript NM_020822.3 (MANE Select); 15 bases into the intron before coding-DNA position 2730, G replaced by A.
Molecular consequence: intron variant.
Genome position (GRCh38, 1-based): chr9:135,779,344, G>A. VCF-style: chr9-135779344-G-A. GRCh37 (hg19) VCF-style: chr9-138671190-G-A.
Other names: c.2595-15G>A (NM_001272003.2).
Identifiers: ClinVar variation 386262 (VCV000386262.10), dbSNP rs539244041, ClinGen allele CA5327440.